The following is an entry in ClinVar:

NM_000294.3(PHKG2):c.245G>A (p.Arg82His)

Gene: PHKG2 (phosphorylase kinase catalytic subunit gamma 2; plus strand). Cytogenetic location: 16p11.2.
Variant type: single nucleotide variant.
Coding change: c.245G>A on transcript NM_000294.3 (MANE Select); coding-DNA position 245, G replaced by A.
Protein change: p.Arg82His; replaces arginine 82 with histidine.
Molecular consequence: missense variant.
Genome position (GRCh38, 1-based): chr16:30,751,255, G>A. VCF-style: chr16-30751255-G-A. GRCh37 (hg19) VCF-style: chr16-30762576-G-A.
Other names: c.245G>A, p.Arg82His (NM_001172432.2); short protein forms R82H.
Identifiers: ClinVar variation 2146144 (VCV002146144.1), dbSNP rs746541930, ClinGen allele CA8013062.
Genomic context (GRCh38, chr16:30,751,255, plus strand): 5'-TGAGTCCTGAGCAGCTGGAGGAGGTGCGGGAAGCCACACGGCGAGAGACACACATCCTTC[G>A]CCAGGTCGCCGGCCACCCCCACATCAGTGAGGCTGTCTTCCTTGCTCCTGTTAGCAGACG-3'
Protein context (NP_000285.1, residues 72-92): EATRRETHIL[Arg82His]QVAGHPHIIT

ClinVar aggregate classification (germline): Uncertain significance (1 of 4 stars; one submission).

Conditions:
Glycogen storage disease IXc (GSD9C). Also called: GSD IXc. Identifiers: Orphanet 264580, MedGen C2751643, MONDO:0013091, OMIM 613027.

Allele frequency attached by ClinVar (database versions not stated): ExAC 0.00001; gnomAD exomes 0.00002.

Submission:

Labcorp Genetics (formerly Invitae), Labcorp
Classification: Uncertain significance for Glycogen storage disease IXc. Last evaluated: 2022-05-12. Review status: criteria provided, single submitter. Criteria: Invitae Variant Classification Sherloc (09022015). Collection method: clinical testing. Allele origin: germline.
Comment: This sequence change replaces arginine, which is basic and polar, with histidine, which is basic and polar, at codon 82 of the PHKG2 protein (p.Arg82His). This variant is present in population databases (rs746541930, gnomAD 0.006%). This variant has not been reported in the literature in individuals affected with PHKG2-related conditions. Algorithms developed to predict the effect of missense changes on protein structure and function are either unavailable or do not agree on the potential impact of this missense change (SIFT: "Deleterious"; PolyPhen-2: "Benign"; Align-GVGD: "Class C0"). In summary, the available evidence is currently insufficient to determine the role of this variant in disease. Therefore, it has been classified as a Variant of Uncertain Significance.